The following is an entry in ClinVar:

ClinVar aggregate classification (germline): Uncertain significance. Review status: criteria provided, multiple submitters, no conflicts (2 of 4 stars). 4 submissions from 4 submitters: Uncertain significance (4). Last evaluated 2024-10-30.

Conditions:
Inborn genetic diseases. Identifiers: MedGen C0950123, MeSH D030342.

Allele frequency attached by ClinVar (database versions not stated): gnomAD 0.00007; ESP Exome Variant Server 0.00015; ExAC 0.00001; gnomAD exomes 0.00003; TOPMed 0.00005.
gnomAD v4.1: 104 of 1,613,834 alleles (0.0064%); highest among the groups gnomAD compares: Non-Finnish European, 0.0075%; 1 homozygote.

Submissions (4):

Labcorp Genetics (formerly Invitae), Labcorp
Classification: Uncertain significance. Last evaluated: 2024-10-30. Review status: criteria provided, single submitter. Criteria: Invitae Variant Classification Sherloc (09022015). Collection method: clinical testing. Allele origin: germline.
Comment: This sequence change replaces arginine, which is basic and polar, with glutamine, which is neutral and polar, at codon 2384 of the HSPG2 protein (p.Arg2384Gln). This variant is present in population databases (rs144498303, gnomAD 0.006%). This variant has not been reported in the literature in individuals affected with HSPG2-related conditions. ClinVar contains an entry for this variant (Variation ID: 618684). An algorithm developed to predict the effect of missense changes on protein structure and function outputs the following: PolyPhen-2: "Possibly Damaging". The glutamine amino acid residue is found in multiple mammalian species, which suggests that this missense change does not adversely affect protein function. In summary, the available evidence is currently insufficient to determine the role of this variant in disease. Therefore, it has been classified as a Variant of Uncertain Significance.

Blueprint Genetics
Classification: Uncertain significance. Last evaluated: 2024-07-15. Review status: criteria provided, single submitter. Criteria: ACMG Guidelines, 2015. Collection method: clinical testing. Allele origin: germline.

Ambry Genetics
Classification: Uncertain significance for Inborn genetic diseases. Last evaluated: 2024-07-02. Review status: criteria provided, single submitter. Criteria: Ambry Variant Classification Scheme 2023. Collection method: clinical testing. Allele origin: germline.

ARUP Laboratories, Molecular Genetics and Genomics, ARUP Laboratories
Classification: Uncertain significance. Last evaluated: 2018-05-18. Review status: criteria provided, single submitter. Criteria: ARUP Molecular Germline Variant Investigation Process. Collection method: clinical testing. Allele origin: germline.
Comment: The HSPG2 c.7151G>A; p.Arg2384Gln variant (rs144498303), to our knowledge, has not been reported in the medical literature or gene-specific databases, but is observed in the general population at an overall frequency of 0.003% (8/277050 alleles) in the Genome Aggregation Database. The arginine at codon 2384 is weakly conserved, but computational algorithms (PolyPhen-2: damaging, SIFT: tolerated) are inconclusive on the effect of this variant on protein structure and/or function. Due to the lack of clinical and functional data regarding this variant, its clinical significance cannot be determined with certainty. Pathogenic HSPG2 variant are inherited in an autosomal recessive manner, and are associated with Silverman-Handmaker type of dyssegmental dysplasia (MIM: 224410) and Schwartz-Jampel syndrome type 1 (MIM: 255800).

NM_005529.7(HSPG2):c.7151G>A (p.Arg2384Gln)

Gene: HSPG2 (heparan sulfate proteoglycan 2; minus strand). Cytogenetic location: 1p36.12.
Variant type: single nucleotide variant.
Coding change: c.7151G>A on transcript NM_005529.7 (MANE Select); coding-DNA position 7151, G replaced by A.
Protein change: p.Arg2384Gln; replaces arginine 2384 with glutamine.
Molecular consequence: missense variant.
Genome position (GRCh38, 1-based): chr1:21,851,553, C>T on the plus strand (G>A on the coding strand, the complement: HSPG2 is on the minus strand). VCF-style: chr1-21851553-C-T. GRCh37 (hg19) VCF-style: chr1-22178046-C-T.
Other names: c.7154G>A, p.Arg2385Gln (NM_001291860.2); c.7151G>A (NM_005529.5); short protein forms R2384Q, R2385Q.
Identifiers: ClinVar variation 618684 (VCV000618684.14), dbSNP rs144498303, ClinGen allele CA671303.
Genomic context (GRCh38, chr1:21,851,553, plus strand): 5'-CCACCCAGGGACCCGCTTCCTCTTCTTGGCCTGTCTGTCCTCCAGTCCCATACCTGGTGC[C>T]GGACAGGGAGGCTGCCCCCACGCTTGTGCCACGTGACCTGGGCATGGGACTGCCCGGGCA-3'
Protein context (NP_005520.4, residues 2374-2394): WHKRGGSLPV[Arg2384Gln]HQTHGSLLRL